The following is an entry in ClinVar:

ClinVar aggregate classification (germline): Uncertain significance. Review status: criteria provided, multiple submitters, no conflicts (2 of 4 stars). 3 submissions from 3 submitters: Uncertain significance (3). Last evaluated 2025-03-03.

Conditions:
Inborn genetic diseases. Identifiers: MedGen C0950123, MeSH D030342.

gnomAD v4.1: 3 of 1,614,144 alleles (0.00019%); highest among the groups gnomAD compares: South Asian, 0.0033%; no homozygotes.

Submissions (3):

Ambry Genetics
Classification: Uncertain significance for Inborn genetic diseases. Last evaluated: 2025-03-03. Review status: criteria provided, single submitter. Criteria: Ambry Variant Classification Scheme 2023. Collection method: clinical testing. Allele origin: germline.

GeneDx
Classification: Uncertain significance. Last evaluated: 2024-08-20. Review status: criteria provided, single submitter. Criteria: GeneDx Variant Classification Process June 2021. Collection method: clinical testing. Allele origin: germline. Affected: yes.
Comment: Not observed at significant frequency in large population cohorts (gnomAD); In silico analysis supports that this missense variant has a deleterious effect on protein structure/function; Has not been previously published as pathogenic or benign to our knowledge

Labcorp Genetics (formerly Invitae), Labcorp
Classification: Uncertain significance. Last evaluated: 2020-08-27. Review status: criteria provided, single submitter. Criteria: Invitae Variant Classification Sherloc (09022015). Collection method: clinical testing. Allele origin: germline.
Comment: This sequence change replaces arginine with leucine at codon 2619 of the SZT2 protein (p.Arg2619Leu). The arginine residue is highly conserved and there is a moderate physicochemical difference between arginine and leucine. In summary, the available evidence is currently insufficient to determine the role of this variant in disease. Therefore, it has been classified as a Variant of Uncertain Significance. Algorithms developed to predict the effect of missense changes on protein structure and function are either unavailable or do not agree on the potential impact of this missense change (SIFT: "Tolerated"; PolyPhen-2: "Probably Damaging"; Align-GVGD: "Class C15"). This variant has not been reported in the literature in individuals with SZT2-related conditions. This variant is present in population databases (rs758138686, ExAC 0.006%).

NM_001365999.1(SZT2):c.8027G>T (p.Arg2676Leu)

Gene: SZT2 (SZT2 subunit of KICSTOR complex; plus strand). Cytogenetic location: 1p34.2.
Variant type: single nucleotide variant.
Coding change: c.8027G>T on transcript NM_001365999.1 (MANE Select); coding-DNA position 8027, G replaced by T.
Protein change: p.Arg2676Leu; replaces arginine 2676 with leucine.
Molecular consequence: missense variant.
Genome position (GRCh38, 1-based): chr1:43,442,494, G>T. VCF-style: chr1-43442494-G-T. GRCh37 (hg19) VCF-style: chr1-43908165-G-T.
Other names: c.7856G>T, p.Arg2619Leu (NM_015284.4); c.7856G>T (NM_015284.3); short protein forms R2619L, R2676L.
Identifiers: ClinVar variation 1043576 (VCV001043576.10), dbSNP rs758138686, ClinGen allele CA810432.